The following is an entry in ClinVar:

ClinVar aggregate classification (germline): Likely benign (1 of 4 stars; one submission).

Submission:

CeGaT Center for Human Genetics Tuebingen
Classification: Likely benign. Last evaluated: 2025-08-01. Review status: criteria provided, single submitter. Criteria: CeGaT Center For Human Genetics Tuebingen Variant Classification Criteria Version 2. Collection method: clinical testing. Allele origin: germline. Affected: yes. Observed: 1 variant allele.
Comment: TRIM28: PM2:Supporting, BP4, BP7

NM_005762.3(TRIM28):c.945T>C (p.Asn315=)

Gene: TRIM28 (tripartite motif containing 28; plus strand). Cytogenetic location: 19q13.43.
Variant type: single nucleotide variant.
Coding change: c.945T>C on transcript NM_005762.3 (MANE Select); coding-DNA position 945, T replaced by C.
Protein change: p.Asn315=; no amino-acid change (asparagine 315 retained).
Molecular consequence: synonymous variant.
Genome position (GRCh38, 1-based): chr19:58,547,897, T>C. VCF-style: chr19-58547897-T-C. GRCh37 (hg19) VCF-style: chr19-59059264-T-C.
Identifiers: ClinVar variation 4084910 (VCV004084910.8).